The following is an entry in ClinVar:

NM_015073.3(SIPA1L3):c.968A>G (p.Glu323Gly)

Gene: SIPA1L3 (signal induced proliferation associated 1 like 3; plus strand). Cytogenetic location: 19q13.13.
Variant type: single nucleotide variant.
Coding change: c.968A>G on transcript NM_015073.3 (MANE Select); coding-DNA position 968, A replaced by G.
Protein change: p.Glu323Gly; replaces glutamic acid 323 with glycine.
Molecular consequence: missense variant.
Genome position (GRCh38, 1-based): chr19:38,082,533, A>G. VCF-style: chr19-38082533-A-G. GRCh37 (hg19) VCF-style: chr19-38573173-A-G.
Other names: short protein forms E323G.
Identifiers: ClinVar variation 3620479 (VCV003620479.2).

ClinVar aggregate classification (germline): Uncertain significance (1 of 4 stars; one submission).

gnomAD v4.1: 11 of 1,598,904 alleles (0.00069%); highest among the groups gnomAD compares: Non-Finnish European, 0.00077%; no homozygotes.

Submission:

Labcorp Genetics (formerly Invitae), Labcorp
Classification: Uncertain significance. Last evaluated: 2025-02-19. Review status: criteria provided, single submitter. Criteria: Invitae Variant Classification Sherloc (09022015). Collection method: clinical testing. Allele origin: germline.
Comment: This sequence change replaces glutamic acid, which is acidic and polar, with glycine, which is neutral and non-polar, at codon 323 of the SIPA1L3 protein (p.Glu323Gly). The frequency data for this variant in the population databases is considered unreliable, as metrics indicate poor data quality at this position in the gnomAD database. This variant has not been reported in the literature in individuals affected with SIPA1L3-related conditions. An algorithm developed to predict the effect of missense changes on protein structure and function (PolyPhen-2) suggests that this variant is likely to be tolerated. In summary, the available evidence is currently insufficient to determine the role of this variant in disease. Therefore, it has been classified as a Variant of Uncertain Significance.